The following is an entry in ClinVar:

ClinVar aggregate classification (germline): Uncertain significance (0 of 4 stars; one submission).

Conditions:
ADCY3-related disorder. Also called: ADCY3-related condition.

Submission:

PreventionGenetics, part of Exact Sciences
Classification: Uncertain significance for ADCY3-related condition. Last evaluated: 2024-06-25. Review status: no assertion criteria provided. Collection method: clinical testing. Allele origin: germline.
Comment: The ADCY3 c.676-1G>T variant is predicted to disrupt the AG splice acceptor site and interfere with normal splicing. To our knowledge, this variant has not been reported in the literature or in a large population database, indicating this variant is rare. Although we suspect that this variant may be pathogenic, at this time, the clinical significance of this variant is uncertain due to the absence of conclusive functional and genetic evidence.

NM_004036.5(ADCY3):c.676-1G>T

Gene: ADCY3 (adenylate cyclase 3; minus strand). Cytogenetic location: 2p23.3.
Variant type: single nucleotide variant.
Coding change: c.676-1G>T on transcript NM_004036.5 (MANE Select); the canonical splice acceptor site of the intron before coding-DNA position 676, G replaced by T.
Molecular consequence: splice acceptor variant.
Genome position (GRCh38, 1-based): chr2:24,872,720, C>A on the plus strand (G>T on the coding strand, the complement: ADCY3 is on the minus strand). VCF-style: chr2-24872720-C-A. GRCh37 (hg19) VCF-style: chr2-25095589-C-A.
Other names: c.676-1G>T (NM_001377130.1, NM_001377129.1, NM_001320613.2 and 2 more transcripts); c.-48-1G>T (NM_001377131.1).
Identifiers: ClinVar variation 3345073 (VCV003345073.1).